The following is an entry in ClinVar:

ClinVar aggregate classification (germline): Likely benign (0 of 4 stars; one submission).

Conditions:
ATP2A3-related disorder. Also called: ATP2A3-related condition.

gnomAD v4.1: 9 of 1,613,406 alleles (0.00056%); highest among the groups gnomAD compares: African/African-American, 0.0027%; no homozygotes.

Submission:

PreventionGenetics, part of Exact Sciences
Classification: Likely benign for ATP2A3-related condition. Last evaluated: 2019-03-11. Review status: no assertion criteria provided. Collection method: clinical testing. Allele origin: germline.
Comment: This variant is classified as likely benign based on ACMG/AMP sequence variant interpretation guidelines (Richards et al. 2015 PMID: 25741868, with internal and published modifications).

NM_005173.4(ATP2A3):c.1497G>A (p.Thr499=)

Gene: ATP2A3 (ATPase sarcoplasmic/endoplasmic reticulum Ca2+ transporting 3; minus strand). Cytogenetic location: 17p13.2.
Variant type: single nucleotide variant.
Coding change: c.1497G>A on transcript NM_005173.4 (MANE Select); coding-DNA position 1497, G replaced by A.
Protein change: p.Thr499=; no amino-acid change (threonine 499 retained).
Molecular consequence: synonymous variant.
Genome position (GRCh38, 1-based): chr17:3,942,654, C>T on the plus strand (G>A on the coding strand, the complement: ATP2A3 is on the minus strand). VCF-style: chr17-3942654-C-T. GRCh37 (hg19) VCF-style: chr17-3845948-C-T.
Other names: c.1497G>A, p.Thr499= (NM_174953.3, NM_174954.3, NM_174955.3 and 3 more transcripts).
Identifiers: ClinVar variation 3353143 (VCV003353143.1).